The following is an entry in ClinVar:

NM_024408.4(NOTCH2):c.7338G>T (p.Gly2446=)

Gene: NOTCH2 (notch receptor 2; minus strand). Cytogenetic location: 1p12.
Variant type: single nucleotide variant.
Coding change: c.7338G>T on transcript NM_024408.4 (MANE Select); coding-DNA position 7338, G replaced by T.
Protein change: p.Gly2446=; no amino-acid change (glycine 2446 retained).
Molecular consequence: synonymous variant.
Genome position (GRCh38, 1-based): chr1:119,915,384, C>A on the plus strand (G>T on the coding strand, the complement: NOTCH2 is on the minus strand). VCF-style: chr1-119915384-C-A. GRCh37 (hg19) VCF-style: chr1-120458007-C-A.
Other names: c.7338G>T (NM_024408.3).
Identifiers: ClinVar variation 2068546 (VCV002068546.7), dbSNP rs372087953, ClinGen allele CA1039286.
Genomic context (GRCh38, chr1:119,915,384, plus strand): 5'-GTTGTTGTGTGGTGGCTCAGACATGTGTGTCCCAGGTCCCCGCTGACCTCCTCCAGCACC[C>A]CCAGGGGTAGGGCTGGTGGTCACATCTGACCAGTCAGAAGCAGAGTGGGGTGATGAACTT-3'
Protein context (NP_077719.2, residues 2436-2456): WSDVTTSPTP[Gly2446=]GAGGGQRGPG

ClinVar aggregate classification (germline): Likely benign. Review status: criteria provided, multiple submitters, no conflicts (2 of 4 stars). 3 submissions from 3 submitters: Likely benign (2). 1 of the submissions does not count toward it. Last evaluated 2026-01-22.

Conditions:
Hajdu-Cheney syndrome (HJCYS). Also called: Acroosteolysis dominant type; SERPENTINE FIBULA-POLYCYSTIC KIDNEY SYNDROME; ACROOSTEOLYSIS WITH OSTEOPOROSIS AND CHANGES IN SKULL AND MANDIBLE. Identifiers: Orphanet 955, MedGen C0917715, MONDO:0007057, OMIM 102500.
NOTCH2-related disorder. Also called: NOTCH2-related condition.

Allele frequency attached by ClinVar (database versions not stated): TOPMed 0.00004; gnomAD 0.00005; ESP Exome Variant Server 0.00008.
gnomAD v4.1: 96 of 1,614,162 alleles (0.0059%); highest among the groups gnomAD compares: Non-Finnish European, 0.0074%; no homozygotes.

Submissions (3):

Labcorp Genetics (formerly Invitae), Labcorp
Classification: Likely benign for Hajdu-Cheney syndrome. Last evaluated: 2026-01-22. Review status: criteria provided, single submitter. Criteria: Invitae Variant Classification Sherloc (09022015). Collection method: clinical testing. Allele origin: germline.

Blueprint Genetics
Classification: Likely benign. Last evaluated: 2024-10-16. Review status: criteria provided, single submitter. Criteria: ACMG Guidelines, 2015. Collection method: clinical testing. Allele origin: germline.

PreventionGenetics, part of Exact Sciences
Classification: Likely benign for NOTCH2-related condition. Last evaluated: 2022-01-31. Review status: no assertion criteria provided. Collection method: clinical testing. Allele origin: germline. Not counted in ClinVar's aggregate classification.
Comment: This variant is classified as likely benign based on ACMG/AMP sequence variant interpretation guidelines (Richards et al. 2015 PMID: 25741868, with internal and published modifications).